The following is an entry in ClinVar:

NM_001035.3(RYR2):c.13328+4T>C

Gene: RYR2 (ryanodine receptor 2; plus strand). Cytogenetic location: 1q43.
Variant type: single nucleotide variant.
Coding change: c.13328+4T>C on transcript NM_001035.3 (MANE Select); 4 bases into the intron after coding-DNA position 13328, T replaced by C.
Molecular consequence: intron variant.
Genome position (GRCh38, 1-based): chr1:237,786,040, T>C. VCF-style: chr1-237786040-T-C. GRCh37 (hg19) VCF-style: chr1-237949340-T-C.
Other names: c.13328+4T>C (LRG_402t1).
Identifiers: ClinVar variation 463564 (VCV000463564.12), dbSNP rs1356215434, ClinGen allele CA529564354.

ClinVar aggregate classification (germline): Uncertain significance. Review status: criteria provided, multiple submitters, no conflicts (2 of 4 stars). 2 submissions from 2 submitters: Uncertain significance (2). Last evaluated 2023-02-20.

Conditions:
Cardiovascular phenotype. Identifiers: MedGen CN230736.
Catecholaminergic polymorphic ventricular tachycardia 1. Also called: VENTRICULAR TACHYCARDIA, STRESS-INDUCED POLYMORPHIC 1; VENTRICULAR TACHYCARDIA, CATECHOLAMINERGIC POLYMORPHIC, 1, WITH OR WITHOUT ATRIAL DYSFUNCTION AND/OR DILATED CARDIOMYOPATHY; RYR2-Related Catecholaminergic Polymorphic Ventricular Tachycardia. Identifiers: Orphanet 3286, MedGen C1631597, MONDO:0011484, OMIM 604772.

gnomAD v4.1: 2 of 1,560,908 alleles (0.00013%); highest among the groups gnomAD compares: South Asian, 0.0012%; no homozygotes.

Submissions (2):

Ambry Genetics
Classification: Uncertain significance for Cardiovascular phenotype. Last evaluated: 2023-02-20. Review status: criteria provided, single submitter. Criteria: Ambry Variant Classification Scheme 2023. Collection method: clinical testing. Allele origin: germline.
Comment: The c.13328+4T>C intronic variant results from a T to C substitution 4 nucleotides after coding exon 91 in the RYR2 gene. This nucleotide position is not well conserved in available vertebrate species. In silico splice site analysis predicts that this alteration will not have any significant effect on splicing. Since supporting evidence is limited at this time, the clinical significance of this alteration remains unclear.

Labcorp Genetics (formerly Invitae), Labcorp
Classification: Uncertain significance for Catecholaminergic polymorphic ventricular tachycardia 1. Last evaluated: 2021-08-17. Review status: criteria provided, single submitter. Criteria: Invitae Variant Classification Sherloc (09022015). Collection method: clinical testing. Allele origin: germline.
Comment: This sequence change falls in intron 91 of the RYR2 gene. It does not directly change the encoded amino acid sequence of the RYR2 protein, but it affects a nucleotide within the consensus splice site of the intron. This variant is not present in population databases (ExAC no frequency). This variant has not been reported in the literature in individuals with a RYR2-related disease. Nucleotide substitutions within the consensus splice site are relatively common causes of aberrant splicing (PMID: 17576681, 9536098). Algorithms developed to predict the effect of sequence changes on RNA splicing suggest that this variant is not likely to affect RNA splicing, but this prediction has not been confirmed by published transcriptional studies. In summary, this variant has uncertain impact on RYR2 function. The available evidence is currently insufficient to determine its role in disease. Therefore, it has been classified as a Variant of Uncertain Significance.

Literature cited by the submitters: PubMed 17576681 (cited by Labcorp Genetics (formerly Invitae), Labcorp); PubMed 9536098 (cited by Labcorp Genetics (formerly Invitae), Labcorp).